The following is an entry in ClinVar:

ClinVar aggregate classification (germline): Uncertain significance. Review status: criteria provided, multiple submitters, no conflicts (2 of 4 stars). 2 submissions from 2 submitters: Uncertain significance (2). Last evaluated 2024-11-06.

Conditions:
Acute myeloid leukemia (AML). Also called: Acute myeloid leukemia, adult; AML adult; Acute non-lymphocytic leukemia; Acute granulocytic leukemia; Leukemia, acute myeloid, somatic; Leukemia, acute myelogenous, somatic. Identifiers: Orphanet 519, MedGen C0023467, MeSH D015470, MONDO:0018874, OMIM 601626, HP:0004808. Disease mechanism: Constitutively activated FLT3.

Submissions (2):

GeneDx
Classification: Uncertain significance. Last evaluated: 2024-11-06. Review status: criteria provided, single submitter. Criteria: GeneDx Variant Classification Process June 2021. Collection method: clinical testing. Allele origin: germline. Affected: yes.
Comment: Not observed at significant frequency in large population cohorts (gnomAD); In silico analysis indicates that this missense variant does not alter protein structure/function; Has not been previously published as pathogenic or benign to our knowledge; This variant is associated with the following publications: (PMID: 21455213)

Labcorp Genetics (formerly Invitae), Labcorp
Classification: Uncertain significance for Acute myeloid leukemia. Last evaluated: 2023-06-24. Review status: criteria provided, single submitter. Criteria: Invitae Variant Classification Sherloc (09022015). Collection method: clinical testing. Allele origin: germline.
Comment: In summary, the available evidence is currently insufficient to determine the role of this variant in disease. Therefore, it has been classified as a Variant of Uncertain Significance. Advanced modeling of protein sequence and biophysical properties (such as structural, functional, and spatial information, amino acid conservation, physicochemical variation, residue mobility, and thermodynamic stability) performed at Invitae indicates that this missense variant is not expected to disrupt CEBPA protein function. This variant has not been reported in the literature in individuals affected with CEBPA-related conditions. The frequency data for this variant in the population databases is considered unreliable, as metrics indicate insufficient coverage at this position in the gnomAD database. This sequence change replaces glycine, which is neutral and non-polar, with aspartic acid, which is acidic and polar, at codon 132 of the CEBPA protein (p.Gly132Asp).

NM_004364.5(CEBPA):c.395G>A (p.Gly132Asp)

Gene: CEBPA (CCAAT enhancer binding protein alpha; minus strand). Cytogenetic location: 19q13.11.
Variant type: single nucleotide variant.
Coding change: c.395G>A on transcript NM_004364.5 (MANE Select); coding-DNA position 395, G replaced by A.
Protein change: p.Gly132Asp; replaces glycine 132 with aspartic acid.
Molecular consequence: missense variant.
Genome position (GRCh38, 1-based): chr19:33,302,020, C>T on the plus strand (G>A on the coding strand, the complement: CEBPA is on the minus strand). VCF-style: chr19-33302020-C-T. GRCh37 (hg19) VCF-style: chr19-33792926-C-T.
Other names: c.38G>A, p.Gly13Asp (NM_001285829.2); c.500G>A, p.Gly167Asp (NM_001287424.2); c.353G>A, p.Gly118Asp (NM_001287435.2); short protein forms G13D, G118D, G167D, G132D.
Identifiers: ClinVar variation 2958626 (VCV002958626.4), dbSNP rs2513331627, ClinGen allele CA405275045.